The following is an entry in ClinVar:

NM_004360.5(CDH1):c.1773C>T (p.Asn591=)

Gene: CDH1 (cadherin 1; plus strand). Cytogenetic location: 16q22.1.
Variant type: single nucleotide variant.
Coding change: c.1773C>T on transcript NM_004360.5 (MANE Select); coding-DNA position 1773, C replaced by T.
Protein change: p.Asn591=; no amino-acid change (asparagine 591 retained).
Molecular consequence: synonymous variant. On other transcripts: 5 prime UTR variant (1).
Genome position (GRCh38, 1-based): chr16:68,822,062, C>T. VCF-style: chr16-68822062-C-T. GRCh37 (hg19) VCF-style: chr16-68855965-C-T.
Other names: c.1773C>T (LRG_301t1); c.1590C>T, p.Asn530= (NM_001317184.2); c.225C>T, p.Asn75= (NM_001317185.2); c.-193C>T (NM_001317186.2).
Identifiers: ClinVar variation 230081 (VCV000230081.67), dbSNP rs373719554, ClinGen allele CA8130150.
Genomic context (GRCh38, chr16:68,822,062, plus strand): 5'-TTCTCCAGTTGCTACTGGAACAGGGACACTTCTGCTGATCCTGTCTGATGTGAATGACAA[C>T]GCCCCCATACCAGAACCTCGAACTATATTCTTCTGTGAGAGGAATCCAAAGCCTCAGGTC-3'
Protein context (NP_004351.1, residues 581-601): LLLILSDVND[Asn591=]APIPEPRTIF

ClinVar aggregate classification (germline): Conflicting classifications of pathogenicity. Review status: criteria provided, conflicting classifications (1 of 4 stars). 13 submissions from 12 submitters: Uncertain significance (1); Benign (5); Likely benign (7). Last evaluated 2026-01-27.

Conditions:
Hereditary cancer-predisposing syndrome. Also called: Neoplastic Syndromes, Hereditary; Hereditary Cancer Syndrome; Tumor predisposition; Hereditary neoplastic syndrome. Identifiers: Orphanet 140162, MedGen C0027672, MeSH D009386, MONDO:0015356.
Prostate cancer. Also called: Malignant tumor of prostate. Identifiers: Orphanet 1331, MedGen C0376358, MONDO:0008315, HP:0012125.
Hereditary diffuse gastric adenocarcinoma (HDGC). Also called: DIFFUSE GASTRIC AND LOBULAR BREAST CANCER SYNDROME. Identifiers: Orphanet 26106, MedGen C1708349, MONDO:0007648, OMIM 137215.

Allele frequency attached by ClinVar (database versions not stated): gnomAD 0.00001; TOPMed 0.00001; ExAC 0.00002; gnomAD exomes 0.00002 and 0.00003; 1000 Genomes Project 30x 0.00016; 1000 Genomes Project 0.00020.
gnomAD v4.1: 45 of 1,614,188 alleles (0.0028%); highest among the groups gnomAD compares: Middle Eastern, 0.049%; no homozygotes.

Submissions (13):

Labcorp Genetics (formerly Invitae), Labcorp
Classification: Likely benign for Hereditary diffuse gastric adenocarcinoma. Last evaluated: 2026-01-27. Review status: criteria provided, single submitter. Criteria: Invitae Variant Classification Sherloc (09022015). Collection method: clinical testing. Allele origin: germline.

Center for Genomic Medicine, Rigshospitalet, Copenhagen University Hospital
Classification: Likely benign. Last evaluated: 2025-12-29. Review status: criteria provided, single submitter. Criteria: ACMG Guidelines, 2015. Collection method: clinical testing. Allele origin: germline.
Comment: Classification criteria: BP4, BP7

KCCC/NGS Laboratory, Kuwait Cancer Control Center
Classification: Benign for Hereditary diffuse gastric adenocarcinoma. Last evaluated: 2025-02-01. Review status: criteria provided, single submitter. Criteria: ACMG Guidelines, 2015. Collection method: clinical testing. Allele origin: germline. Affected: no.

Myriad Genetics, Inc.
Classification: Benign for Hereditary diffuse gastric adenocarcinoma. Last evaluated: 2024-09-20. Review status: criteria provided, single submitter. Criteria: Myriad Autosomal Dominant, Autosomal Recessive and X-Linked Classification Criteria (2023). Collection method: clinical testing. Allele origin: unknown.
Comment: This variant is considered benign. This variant is a silent/synonymous amino acid change and it is not expected to impact splicing.

CeGaT Center for Human Genetics Tuebingen
Classification: Likely benign. Last evaluated: 2024-06-01. Review status: criteria provided, single submitter. Criteria: CeGaT Center For Human Genetics Tuebingen Variant Classification Criteria Version 2. Collection method: clinical testing. Allele origin: germline. Affected: yes. Observed: 2 variant alleles.
Comment: CDH1: BP4, BP7

Blueprint Genetics
Classification: Likely benign. Last evaluated: 2024-03-05. Review status: criteria provided, single submitter. Criteria: ACMG Guidelines, 2015. Collection method: clinical testing. Allele origin: germline.

KCCC/NGS Laboratory, Kuwait Cancer Control Center
Classification: Benign for Familial prostate cancer. Last evaluated: 2023-07-07. Review status: criteria provided, single submitter. Criteria: ACMG Guidelines, 2015. Collection method: clinical testing. Allele origin: germline. Affected: yes.

Institute for Biomarker Research, Medical Diagnostic Laboratories, L.L.C.
Classification: Likely benign for Hereditary cancer-predisposing syndrome. Last evaluated: 2022-09-08. Review status: criteria provided, single submitter. Criteria: ACMG Guidelines, 2015. Collection method: clinical testing. Allele origin: germline.

European Reference Network on Genetic Tumour Risk Syndromes (ERN-GENTURIS), i3s - Instituto de Investigação e Inovação em Saúde, University of Porto
Classification: Uncertain significance for Hereditary diffuse gastric adenocarcinoma. Last evaluated: 2022-08-01. Review status: criteria provided, single submitter. Criteria: Lee et al. (Hum Mutat. 2018). Collection method: clinical testing. Allele origin: germline. Inheritance: Autosomal dominant inheritance. Affected: no. Study: ERN GENTURIS.
Comment: Not applicable criteria (PMID: 30311375)

Quest Diagnostics Nichols Institute San Juan Capistrano
Classification: Benign. Last evaluated: 2019-03-27. Review status: criteria provided, single submitter. Criteria: Quest Diagnostics criteria. Collection method: clinical testing. Allele origin: germline.

Color Diagnostics, LLC DBA Color Health
Classification: Likely benign for Hereditary cancer-predisposing syndrome. Last evaluated: 2017-03-29. Review status: criteria provided, single submitter. Criteria: ACMG Guidelines, 2015. Collection method: clinical testing. Allele origin: germline.

GeneDx
Classification: Benign. Last evaluated: 2015-04-22. Review status: criteria provided, single submitter. Criteria: GeneDx Variant Classification (06012015). Collection method: clinical testing. Allele origin: germline. Affected: yes.
Comment: This variant is considered likely benign or benign based on one or more of the following criteria: it is a conservative change, it occurs at a poorly conserved position in the protein, it is predicted to be benign by multiple in silico algorithms, and/or has population frequency not consistent with disease.

Ambry Genetics
Classification: Likely benign for Hereditary cancer-predisposing syndrome. Last evaluated: 2015-01-13. Review status: criteria provided, single submitter. Criteria: Ambry Variant Classification Scheme 2023. Collection method: clinical testing. Allele origin: germline.

Literature cited by the submitters: PubMed 36436516 (cited by European Reference Network on Genetic Tumour Risk Syndromes (ERN-GENTURIS), i3s - Instituto de Investigação e Inovação em Saúde, University of Porto).